The following is an entry in ClinVar:

ClinVar aggregate classification (germline): Uncertain significance. Review status: criteria provided, multiple submitters, no conflicts (2 of 4 stars). 2 submissions from 2 submitters: Uncertain significance (2). Last evaluated 2026-05-14.

Conditions:
Inborn genetic diseases. Identifiers: MedGen C0950123, MeSH D030342.

Allele frequency attached by ClinVar (database versions not stated): gnomAD exomes 0.00001.
gnomAD v4.1: 7 of 1,613,278 alleles (0.00043%); highest among the groups gnomAD compares: Non-Finnish European, 0.00059%; no homozygotes.

Submissions (2):

Ambry Genetics
Classification: Uncertain significance for Inborn genetic diseases. Last evaluated: 2026-05-14. Review status: criteria provided, single submitter. Criteria: Ambry Variant Classification Scheme 2023. Collection method: clinical testing. Allele origin: germline.
Comment: The p.L396V variant (also known as c.1186C>G), located in coding exon 1 of the SAMD9L gene, results from a C to G substitution at nucleotide position 1186. The leucine at codon 396 is replaced by valine, an amino acid with highly similar properties. This amino acid position is conserved. In addition, this alteration is predicted to be tolerated by in silico analysis. Based on the available evidence, the clinical significance of this variant remains unclear.

GeneDx
Classification: Uncertain significance. Last evaluated: 2024-03-15. Review status: criteria provided, single submitter. Criteria: GeneDx Variant Classification Process June 2021. Collection method: clinical testing. Allele origin: germline. Affected: yes.
Comment: Not observed at significant frequency in large population cohorts (gnomAD); In silico analysis supports that this missense variant does not alter protein structure/function; Has not been previously published as pathogenic or benign to our knowledge

NM_152703.5(SAMD9L):c.1186C>G (p.Leu396Val)

Gene: SAMD9L (sterile alpha motif domain containing 9 like; minus strand). Cytogenetic location: 7q21.2.
Variant type: single nucleotide variant.
Coding change: c.1186C>G on transcript NM_152703.5 (MANE Select); coding-DNA position 1186, C replaced by G.
Protein change: p.Leu396Val; replaces leucine 396 with valine.
Molecular consequence: missense variant.
Genome position (GRCh38, 1-based): chr7:93,134,786, G>C on the plus strand (C>G on the coding strand, the complement: SAMD9L is on the minus strand). VCF-style: chr7-93134786-G-C. GRCh37 (hg19) VCF-style: chr7-92764099-G-C.
Other names: c.1186C>G (NM_152703.2); c.1186C>G, p.Leu396Val (NM_001303496.3, NM_001303497.3, NM_001303498.3 and 5 more transcripts); short protein forms L396V.
Identifiers: ClinVar variation 2506767 (VCV002506767.3), dbSNP rs2535430535, ClinGen allele CA368198368.